The following is an entry in ClinVar:

ClinVar aggregate classification (germline): Benign/Likely benign. Review status: criteria provided, multiple submitters, no conflicts (2 of 4 stars). 7 submissions from 7 submitters: Benign (1); Likely benign (5). 1 of the submissions does not count toward it. Last evaluated 2025-08-06.

Conditions:
Familial ovarian cancer. Identifiers: MedGen C5679802, MONDO:0016248.
Hereditary cancer-predisposing syndrome. Also called: Neoplastic Syndromes, Hereditary; Tumor predisposition; Hereditary Cancer Syndrome; Hereditary neoplastic syndrome. Identifiers: Orphanet 140162, MedGen C0027672, MeSH D009386, MONDO:0015356.
Familial cancer of breast. Also called: BREAST CANCER, FAMILIAL; Hereditary breast cancer; hereditary breast carcinoma. Identifiers: Orphanet 227535, MedGen C0346153, MONDO:0016419, OMIM 114480. Disease mechanism: loss of function.

Allele frequency attached by ClinVar (database versions not stated): gnomAD exomes below 0.00001; TOPMed below 0.00001.
gnomAD v4.1: 3 of 1,614,112 alleles (0.00019%); highest among the groups gnomAD compares: Non-Finnish European, 0.00025%; no homozygotes.

Submissions (7):

Labcorp Genetics (formerly Invitae), Labcorp
Classification: Likely benign for Familial cancer of breast. Last evaluated: 2025-08-06. Review status: criteria provided, single submitter. Criteria: Invitae Variant Classification Sherloc (09022015). Collection method: clinical testing. Allele origin: germline.

Myriad Genetics, Inc.
Classification: Benign for Familial cancer of breast. Last evaluated: 2024-07-25. Review status: criteria provided, single submitter. Criteria: Myriad Autosomal Dominant, Autosomal Recessive and X-Linked Classification Criteria (2023). Collection method: clinical testing. Allele origin: unknown.
Comment: This variant is considered benign. This variant is a silent/synonymous amino acid change and it is not expected to impact splicing.

Sema4
Classification: Likely benign for Hereditary cancer-predisposing syndrome. Last evaluated: 2021-07-27. Review status: criteria provided, single submitter. Criteria: Sema4 Curation Guidelines. Collection method: curation. Allele origin: germline.

Women's Health and Genetics/Laboratory Corporation of America, LabCorp
Classification: Likely benign. Last evaluated: 2020-12-10. Review status: criteria provided, single submitter. Criteria: LabCorp Variant Classification Summary - May 2015. Collection method: clinical testing. Allele origin: germline.

Color Diagnostics, LLC DBA Color Health
Classification: Likely benign for Hereditary cancer-predisposing syndrome. Last evaluated: 2019-03-04. Review status: criteria provided, single submitter. Criteria: ACMG Guidelines, 2015. Collection method: clinical testing. Allele origin: germline.

Ambry Genetics
Classification: Likely benign for Hereditary cancer-predisposing syndrome. Last evaluated: 2014-11-06. Review status: criteria provided, single submitter. Criteria: Ambry Variant Classification Scheme 2023. Collection method: clinical testing. Allele origin: germline.

Department of Pathology and Laboratory Medicine, Sinai Health System
Classification: Likely benign for Familial ovarian cancer. Review status: no assertion criteria provided. Collection method: clinical testing. Allele origin: unknown. Affected: yes. Study: The Canadian Open Genetics Repository (COGR). Not counted in ClinVar's aggregate classification.
Comment: The BARD1 p.Leu480= variant was not identified in the literature nor was it identified in the Cosmic, or Zhejiang University databases. The variant was identified in dbSNP (ID: rs786203220) as "With Likely benign allele", and in ClinVar (classified as likely benign by Ambry Genetics). The variant was not identified in the following control databases: the 1000 Genomes Project, the NHLBI GO Exome Sequencing Project, the Exome Aggregation Consortium (August 8th 2016), or the Genome Aggregation Database (Feb 27, 2017). The p.Leu480= variant is not expected to have clinical significance because it does not result in a change of amino acid and is not located in a known consensus splice site. In addition, in silico or computational prediction software programs (SpliceSiteFinder, MaxEntScan, NNSPLICE, GeneSplicer, HumanSpliceFinder) do not predict a difference in splicing. In summary, based on the above information the clinical significance of this variant cannot be determined with certainty at this time although we would lean towards a more benign role for this variant. This variant is classified as likely benign.

NM_000465.4(BARD1):c.1438T>C (p.Leu480=)

Gene: BARD1 (BRCA1 associated RING domain 1; minus strand). Cytogenetic location: 2q35.
Variant type: single nucleotide variant.
Coding change: c.1438T>C on transcript NM_000465.4 (MANE Select); coding-DNA position 1438, T replaced by C.
Protein change: p.Leu480=; no amino-acid change (leucine 480 retained).
Molecular consequence: synonymous variant. On other transcripts: non-coding transcript variant (3), intron variant (3).
Genome position (GRCh38, 1-based): chr2:214,767,612, A>G on the plus strand (T>C on the coding strand, the complement: BARD1 is on the minus strand). VCF-style: chr2-214767612-A-G. GRCh37 (hg19) VCF-style: chr2-215632336-A-G.
Other names: c.1381T>C, p.Leu461= (NM_001282543.2); c.159-15057T>C (NM_001282548.2); c.216-15057T>C (NM_001282545.2); c.364+24685T>C (NM_001282549.2).
Identifiers: ClinVar variation 186788 (VCV000186788.19), dbSNP rs786203220, ClinGen allele CA195871.